The following is an entry in ClinVar:

ClinVar aggregate classification (germline): Benign. Review status: criteria provided, multiple submitters, no conflicts (2 of 4 stars). 23 submissions from 16 submitters: Benign (20). 3 of the submissions do not count toward it. Last evaluated 2026-02-04.

Conditions:
Cardiovascular phenotype. Identifiers: MedGen CN230736.
Autosomal recessive limb-girdle muscular dystrophy type 2J (LGMDR10). Also called: Limb-girdle muscular dystrophy, type 2J; MUSCULAR DYSTROPHY, LIMB-GIRDLE, AUTOSOMAL RECESSIVE 10. Identifiers: Orphanet 140922, MedGen C1837342, MONDO:0012127, OMIM 608807.
Dilated cardiomyopathy 1G (CMD1G). Identifiers: Orphanet 154, MedGen C1858763, MONDO:0011400, OMIM 604145.
Early-onset myopathy with fatal cardiomyopathy (CMYO5). Also called: Salih Myopathy; CONGENITAL MYOPATHY 5 WITH CARDIOMYOPATHY. Identifiers: Orphanet 289377, MedGen C2673677, MONDO:0012714, OMIM 611705. Disease mechanism: loss of function.
Myopathy, myofibrillar, 9, with early respiratory failure (MFM9). Also called: Hereditary myopathy with early respiratory failure; EDSTROM MYOPATHY; MYOPATHY, PROXIMAL, WITH EARLY RESPIRATORY MUSCLE INVOLVEMENT; Myopathy, distal, with early respiratory failure, autosomal dominant. Identifiers: Orphanet 178464, Orphanet 34521, MedGen C1863599, MONDO:0011362, OMIM 603689.
Tibial muscular dystrophy (TMD). Also called: UDD MYOPATHY; Udd Distal Myopathy – Tibial Muscular Dystrophy; Tibial muscular dystrophy, tardive. Identifiers: Orphanet 609, MedGen C1838244, MONDO:0010870, OMIM 600334.

Allele frequency attached by ClinVar (database versions not stated): ESP Exome Variant Server 0.03062; TOPMed 0.03846; gnomAD 0.03943; 1000 Genomes Project 30x 0.07183; 1000 Genomes Project 0.07368.
gnomAD v4.1: 36,436 of 1,612,542 alleles (2.3%); highest among the groups gnomAD compares: East Asian, 14%; 993 homozygotes.

Submissions (23):

Labcorp Genetics (formerly Invitae), Labcorp
Classification: Benign for Dilated cardiomyopathy 1G; Autosomal recessive limb-girdle muscular dystrophy type 2J. Last evaluated: 2026-02-04. Review status: criteria provided, single submitter. Criteria: Invitae Variant Classification Sherloc (09022015). Collection method: clinical testing. Allele origin: germline.

Molecular Diagnostic Laboratory for Inherited Cardiovascular Disease, Montreal Heart Institute
Classification: Benign. Last evaluated: 2025-04-09. Review status: criteria provided, single submitter. Criteria: ACMG Guidelines, 2015. Collection method: clinical testing. Allele origin: germline. Affected: no.

Blueprint Genetics
Classification: Benign. Last evaluated: 2024-11-26. Review status: criteria provided, single submitter. Criteria: ACMG Guidelines, 2015. Collection method: clinical testing. Allele origin: germline.

Genome-Nilou Lab
Classification: Benign for Autosomal recessive limb-girdle muscular dystrophy type 2J. Last evaluated: 2021-09-10. Review status: criteria provided, single submitter. Criteria: ACMG Guidelines, 2015. Collection method: clinical testing. Allele origin: germline. Affected: no.

Genome-Nilou Lab
Classification: Benign for Myopathy, myofibrillar, 9, with early respiratory failure. Last evaluated: 2021-09-10. Review status: criteria provided, single submitter. Criteria: ACMG Guidelines, 2015. Collection method: clinical testing. Allele origin: germline. Affected: no.

Genome-Nilou Lab
Classification: Benign for Early-onset myopathy with fatal cardiomyopathy. Last evaluated: 2021-09-10. Review status: criteria provided, single submitter. Criteria: ACMG Guidelines, 2015. Collection method: clinical testing. Allele origin: germline. Affected: no.

Genome-Nilou Lab
Classification: Benign for Tibial muscular dystrophy. Last evaluated: 2021-09-10. Review status: criteria provided, single submitter. Criteria: ACMG Guidelines, 2015. Collection method: clinical testing. Allele origin: germline. Affected: no.

Women's Health and Genetics/Laboratory Corporation of America, LabCorp
Classification: Benign. Last evaluated: 2020-01-11. Review status: criteria provided, single submitter. Criteria: LabCorp Variant Classification Summary - May 2015. Collection method: clinical testing. Allele origin: germline.

Illumina Laboratory Services, Illumina
Classification: Benign for Early-onset myopathy with fatal cardiomyopathy. Last evaluated: 2018-01-13. Review status: criteria provided, single submitter. Criteria: ICSL Variant Classification Criteria 13 December 2019. Collection method: clinical testing. Allele origin: germline.
Comment: This variant was observed in the ICSL laboratory as part of a predisposition screen in an ostensibly healthy population. It had not been previously curated by ICSL or reported in the Human Gene Mutation Database (HGMD: prior to June 1st, 2018), and was therefore a candidate for classification through an automated scoring system. Utilizing variant allele frequency, disease prevalence and penetrance estimates, and inheritance mode, an automated score was calculated to assess if this variant is too frequent to cause the disease. Based on the score and internal cut-off values, a variant classified as benign is not then subjected to further curation. The score for this variant resulted in a classification of benign for this disease.

Illumina Laboratory Services, Illumina
Classification: Benign for Myopathy, myofibrillar, 9, with early respiratory failure. Last evaluated: 2018-01-13. Review status: criteria provided, single submitter. Criteria: ICSL Variant Classification Criteria 13 December 2019. Collection method: clinical testing. Allele origin: germline.
Comment: the same text as in the submission from Illumina Laboratory Services, Illumina above.

Illumina Laboratory Services, Illumina
Classification: Benign for Autosomal recessive limb-girdle muscular dystrophy type 2J. Last evaluated: 2018-01-13. Review status: criteria provided, single submitter. Criteria: ICSL Variant Classification Criteria 13 December 2019. Collection method: clinical testing. Allele origin: germline.
Comment: the same text as in the submission from Illumina Laboratory Services, Illumina above.

Illumina Laboratory Services, Illumina
Classification: Benign for Dilated cardiomyopathy 1G. Last evaluated: 2018-01-13. Review status: criteria provided, single submitter. Criteria: ICSL Variant Classification Criteria 13 December 2019. Collection method: clinical testing. Allele origin: germline.
Comment: the same text as in the submission from Illumina Laboratory Services, Illumina above.

Illumina Laboratory Services, Illumina
Classification: Benign for Tibial muscular dystrophy. Last evaluated: 2018-01-13. Review status: criteria provided, single submitter. Criteria: ICSL Variant Classification Criteria 13 December 2019. Collection method: clinical testing. Allele origin: germline.
Comment: the same text as in the submission from Illumina Laboratory Services, Illumina above.

Mayo Clinic Laboratories, Mayo Clinic
Classification: Benign. Last evaluated: 2017-08-24. Review status: criteria provided, single submitter. Criteria: ACMG Guidelines, 2015. Collection method: clinical testing. Allele origin: germline. Observed: 135 variant alleles.

Genetic Services Laboratory, University of Chicago
Classification: Benign for AllHighlyPenetrant. Last evaluated: 2013-08-15. Review status: criteria provided, single submitter. Criteria: ACMG Guidelines, 2007. Collection method: clinical testing. Allele origin: germline.

GeneDx
Classification: Benign. Last evaluated: 2012-10-18. Review status: criteria provided, single submitter. Criteria: GeneDx Variant Classification (06012015). Collection method: clinical testing. Allele origin: germline. Affected: yes.
Comment: This variant is considered likely benign or benign based on one or more of the following criteria: it is a conservative change, it occurs at a poorly conserved position in the protein, it is predicted to be benign by multiple in silico algorithms, and/or has population frequency not consistent with disease.

Ambry Genetics
Classification: Benign for Cardiovascular phenotype. Last evaluated: 2012-08-10. Review status: criteria provided, single submitter. Criteria: Ambry Autosomal Dominant and X-Linked criteria (10/2015). Collection method: clinical testing. Allele origin: germline. Observed: 1 variant allele.

Laboratory for Molecular Medicine, Mass General Brigham Personalized Medicine
Classification: Benign. Last evaluated: 2012-05-24. Review status: criteria provided, single submitter. Criteria: LMM Criteria. Collection method: clinical testing. Allele origin: germline. Observed: 104 variant alleles.
Comment: 6.6% (213/3244) of Afr Amer chrom from ESP

Breakthrough Genomics
Classification: Benign. Review status: criteria provided, single submitter. Criteria: ACMG Guidelines, 2015. Collection method: not provided. Allele origin: germline. Inheritance: Autosomal recessive inheritance. Affected: yes.

PreventionGenetics, part of Exact Sciences
Classification: Benign. Review status: criteria provided, single submitter. Criteria: ACMG Guidelines, 2015. Collection method: clinical testing. Allele origin: germline.

Clinical Genetics DNA and cytogenetics Diagnostics Lab, Erasmus MC, Erasmus Medical Center
Classification: Benign. Review status: no assertion criteria provided. Collection method: clinical testing. Allele origin: germline. Affected: yes. Study: VKGL Data-share Consensus. Not counted in ClinVar's aggregate classification.

Clinical Genetics, Academic Medical Center
Classification: Benign. Review status: no assertion criteria provided. Collection method: clinical testing. Allele origin: germline. Affected: yes. Study: VKGL Data-share Consensus. Not counted in ClinVar's aggregate classification.

Laboratory of Diagnostic Genome Analysis, Leiden University Medical Center (LUMC)
Classification: Likely benign. Review status: no assertion criteria provided. Collection method: clinical testing. Allele origin: germline. Affected: yes. Study: VKGL Data-share Consensus. Not counted in ClinVar's aggregate classification.

NM_001267550.2(TTN):c.49731T>C (p.His16577=)

Genes: TTN-AS1 (TTN antisense RNA 1; plus strand), TTN (titin; minus strand). Cytogenetic location: 2q31.2.
Variant type: single nucleotide variant.
Coding change: c.49731T>C on transcript NM_001267550.2 (MANE Select); coding-DNA position 49731, T replaced by C.
Protein change: p.His16577=; no amino-acid change (histidine 16577 retained).
Molecular consequence: synonymous variant.
Genome position (GRCh38, 1-based): chr2:178,612,990, A>G on the plus strand (T>C on the coding strand, the complement: TTN is on the minus strand). VCF-style: chr2-178612990-A-G. GRCh37 (hg19) VCF-style: chr2-179477717-A-G.
Other names: p.H14009H:CAT>CAC; p.His14009=; c.22536T>C, p.His7512= (NM_003319.4); c.22911T>C, p.His7637= (NM_133432.3); c.23112T>C, p.His7704= (NM_133437.4); c.44808T>C, p.His14936= (NM_001256850.1); c.42027T>C, p.His14009= (NM_133378.4).
Identifiers: ClinVar variation 47035 (VCV000047035.36), dbSNP rs2115558, ClinGen allele CA283350.